The following is an entry in ClinVar:

NM_001868.4(CPA1):c.332C>A (p.Ala111Glu)

Gene: CPA1 (carboxypeptidase A1; plus strand). Cytogenetic location: 7q32.2.
Variant type: single nucleotide variant.
Coding change: c.332C>A on transcript NM_001868.4 (MANE Select); coding-DNA position 332, C replaced by A.
Protein change: p.Ala111Glu; replaces alanine 111 with glutamic acid.
Molecular consequence: missense variant.
Genome position (GRCh38, 1-based): chr7:130,381,814, C>A. VCF-style: chr7-130381814-C-A. GRCh37 (hg19) VCF-style: chr7-130021655-C-A.
Other names: c.332C>A (NM_001868.2); short protein forms A111E.
Identifiers: ClinVar variation 2977704 (VCV002977704.4), dbSNP rs782647848, ClinGen allele CA4484758.
Genomic context (GRCh38, chr7:130,381,814, plus strand): 5'-AGGACGTGCAGTCGCTGCTGGACGAGGAGCAGGAGCAGATGTTCGCCTTCCGGTCCCGGG[C>A]GCGCTCCACCGACACTTTTAACTACGCCACCTACCACACCCTGGAGGAGGTGAGGGCGCC-3'
Protein context (NP_001859.1, residues 101-121): QEQMFAFRSR[Ala111Glu]RSTDTFNYAT

ClinVar aggregate classification (germline): Uncertain significance. Review status: criteria provided, multiple submitters, no conflicts (2 of 4 stars). 2 submissions from 2 submitters: Uncertain significance (2). Last evaluated 2025-04-09.

Conditions:
Hereditary pancreatitis (PCTT). Also called: Hereditary chronic pancreatitis; PRSS1-Related Hereditary Pancreatitis. Identifiers: Orphanet 676, MedGen C0238339, MONDO:0008185, OMIM 167800.

Allele frequency attached by ClinVar (database versions not stated): gnomAD exomes below 0.00001; TOPMed below 0.00001; ExAC 0.00001; gnomAD 0.00001.

Submissions (2):

Ambry Genetics
Classification: Uncertain significance for Hereditary pancreatitis. Last evaluated: 2025-04-09. Review status: criteria provided, single submitter. Criteria: Ambry Variant Classification Scheme 2023. Collection method: clinical testing. Allele origin: germline.
Comment: The p.A111E variant (also known as c.332C>A), located in coding exon 3 of the CPA1 gene, results from a C to A substitution at nucleotide position 332. The alanine at codon 111 is replaced by glutamic acid, an amino acid with dissimilar properties. This amino acid position is conserved. In addition, this alteration is predicted to be tolerated by in silico analysis. Based on the available evidence, the clinical significance of this variant remains unclear.

Labcorp Genetics (formerly Invitae), Labcorp
Classification: Uncertain significance. Last evaluated: 2022-12-04. Review status: criteria provided, single submitter. Criteria: Invitae Variant Classification Sherloc (09022015). Collection method: clinical testing. Allele origin: germline.
Comment: In summary, the available evidence is currently insufficient to determine the role of this variant in disease. Therefore, it has been classified as a Variant of Uncertain Significance. Advanced modeling of protein sequence and biophysical properties (such as structural, functional, and spatial information, amino acid conservation, physicochemical variation, residue mobility, and thermodynamic stability) performed at Invitae indicates that this missense variant is not expected to disrupt CPA1 protein function. This variant has not been reported in the literature in individuals affected with CPA1-related conditions. This variant is present in population databases (rs782647848, gnomAD 0.0009%). This sequence change replaces alanine, which is neutral and non-polar, with glutamic acid, which is acidic and polar, at codon 111 of the CPA1 protein (p.Ala111Glu).